The following is an entry in ClinVar:

ClinVar aggregate classification (germline): Uncertain significance. Review status: criteria provided, multiple submitters, no conflicts (2 of 4 stars). 3 submissions from 3 submitters: Uncertain significance (3). Last evaluated 2025-10-03.

Conditions:
Inborn genetic diseases. Identifiers: MedGen C0950123, MeSH D030342.

gnomAD v4.1: 100 of 1,613,946 alleles (0.0062%); highest among the groups gnomAD compares: African/African-American, 0.016%; no homozygotes.

Submissions (3):

Mayo Clinic Laboratories, Mayo Clinic
Classification: Uncertain significance. Last evaluated: 2025-10-03. Review status: criteria provided, single submitter. Criteria: ACMG Guidelines, 2015. Collection method: clinical testing. Allele origin: germline. Observed: 1 variant allele.
Comment: BP4

Ambry Genetics
Classification: Uncertain significance for Inborn genetic diseases. Last evaluated: 2025-08-28. Review status: criteria provided, single submitter. Criteria: Ambry Variant Classification Scheme 2023. Collection method: clinical testing. Allele origin: germline.

Labcorp Genetics (formerly Invitae), Labcorp
Classification: Uncertain significance. Last evaluated: 2023-10-05. Review status: criteria provided, single submitter. Criteria: Invitae Variant Classification Sherloc (09022015). Collection method: clinical testing. Allele origin: germline.
Comment: This sequence change replaces serine, which is neutral and polar, with phenylalanine, which is neutral and non-polar, at codon 14 of the STN1 protein (p.Ser14Phe). This variant is present in population databases (rs147944034, gnomAD 0.02%). This variant has not been reported in the literature in individuals affected with STN1-related conditions. Advanced modeling of protein sequence and biophysical properties (such as structural, functional, and spatial information, amino acid conservation, physicochemical variation, residue mobility, and thermodynamic stability) performed at Invitae indicates that this missense variant is expected to disrupt STN1 protein function. In summary, the available evidence is currently insufficient to determine the role of this variant in disease. Therefore, it has been classified as a Variant of Uncertain Significance.

NM_024928.5(STN1):c.41C>T (p.Ser14Phe)

Gene: STN1 (STN1 subunit of CST complex; minus strand). Cytogenetic location: 10q24.33.
Variant type: single nucleotide variant.
Coding change: c.41C>T on transcript NM_024928.5 (MANE Select); coding-DNA position 41, C replaced by T.
Protein change: p.Ser14Phe; replaces serine 14 with phenylalanine.
Molecular consequence: missense variant.
Genome position (GRCh38, 1-based): chr10:103,917,554, G>A on the plus strand (C>T on the coding strand, the complement: STN1 is on the minus strand). VCF-style: chr10-103917554-G-A. GRCh37 (hg19) VCF-style: chr10-105677312-G-A.
Other names: p.Ser14Phe; c.41C>T (NM_024928.4); short protein forms S14F.
Identifiers: ClinVar variation 2906040 (VCV002906040.5), dbSNP rs147944034, ClinGen allele CA5676748.
Genomic context (GRCh38, chr10:103,917,554, plus strand): 5'-ATATCCCTGATGTAGAGTTTTGCAAAGGCTAGAAACACAGGATCCAAACCCCACAAGAGG[G>A]AAGGGGTCTCCTCTTCACACCGGCTGGATCCAGGCTGCATCAAGAGGCAGGGCTGTGGCT-3'
Protein context (NP_079204.2, residues 4-24): GSSRCEEETP[Ser14Phe]LLWGLDPVFL